The following is an entry in ClinVar:

ClinVar aggregate classification (germline): Uncertain significance (1 of 4 stars; one submission).

gnomAD v4.1: 2 of 1,607,000 alleles (0.00012%); highest among the groups gnomAD compares: Admixed American, 0.0033%; no homozygotes.

Submission:

Labcorp Genetics (formerly Invitae), Labcorp
Classification: Uncertain significance. Last evaluated: 2022-09-01. Review status: criteria provided, single submitter. Criteria: Invitae Variant Classification Sherloc (09022015). Collection method: clinical testing. Allele origin: germline.
Comment: In summary, the available evidence is currently insufficient to determine the role of this variant in disease. Therefore, it has been classified as a Variant of Uncertain Significance. Algorithms developed to predict the effect of missense changes on protein structure and function are either unavailable or do not agree on the potential impact of this missense change (SIFT: "Deleterious"; PolyPhen-2: "Benign"; Align-GVGD: "Class C0"). This variant has not been reported in the literature in individuals affected with FRAS1-related conditions. This variant is not present in population databases (gnomAD no frequency). This sequence change replaces asparagine, which is neutral and polar, with lysine, which is basic and polar, at codon 65 of the FRAS1 protein (p.Asn65Lys).

NM_025074.7(FRAS1):c.195C>A (p.Asn65Lys)

Gene: FRAS1 (Fraser extracellular matrix complex subunit 1; plus strand). Cytogenetic location: 4q21.21.
Variant type: single nucleotide variant.
Coding change: c.195C>A on transcript NM_025074.7 (MANE Select); coding-DNA position 195, C replaced by A.
Protein change: p.Asn65Lys; replaces asparagine 65 with lysine.
Molecular consequence: missense variant.
Genome position (GRCh38, 1-based): chr4:78,237,596, C>A. VCF-style: chr4-78237596-C-A. GRCh37 (hg19) VCF-style: chr4-79158750-C-A.
Other names: c.195C>A, p.Asn65Lys (NM_001166133.2); short protein forms N65K.
Identifiers: ClinVar variation 1914752 (VCV001914752.5), dbSNP rs200429476, ClinGen allele CA357351675.